The following is an entry in ClinVar:

ClinVar aggregate classification (germline): Conflicting classifications of pathogenicity. Review status: criteria provided, conflicting classifications (1 of 4 stars). 9 submissions from 7 submitters: Uncertain significance (8); Likely benign (1). Last evaluated 2025-12-10.

Conditions:
Arrhythmogenic right ventricular dysplasia 8 (ARVD8). Also called: Arrhythmogenic Right Ventricular Dysplasia/Cardiomyopathy 8; ARRHYTHMOGENIC RIGHT VENTRICULAR DYSPLASIA, FAMILIAL, 8; ARRHYTHMOGENIC RIGHT VENTRICULAR CARDIOMYOPATHY 8. Identifiers: MedGen C1843896, MONDO:0011831, OMIM 607450.
Woolly hair-skin fragility syndrome (WHSF). Identifiers: Orphanet 293165, MedGen C1843292, MONDO:0957307, OMIM 620415.
Cardiomyopathy, dilated, with wooly hair, keratoderma, and tooth agenesis. Also called: Erythrokeratodermia-cardiomyopathy syndrome; Cardiomyopathy, dilated, with woolly hair, keratoderma, and tooth agenesis. Identifiers: Orphanet 476096, Orphanet 65282, MedGen C4014393, MONDO:0014355, OMIM 615821.
Arrhythmogenic cardiomyopathy with wooly hair and keratoderma. Also called: Carvajal syndrome; PALMOPLANTAR KERATODERMA WITH LEFT VENTRICULAR CARDIOMYOPATHY AND WOOLLY HAIR; Arrhythmogenic cardiomyopathy with woolly hair and keratoderma; Dilated cardiomyopathy with woolly hair and keratoderma. Identifiers: Orphanet 65282, MedGen C1854063, MONDO:0011581, OMIM 605676.
Lethal acantholytic epidermolysis bullosa (EBLA). Identifiers: Orphanet 158687, MedGen C1864826, MONDO:0012323, OMIM 609638.
Keratosis palmoplantaris striata 2. Also called: KERATODERMA, PALMOPLANTAR, STRIATE FORM II; STRIATE PALMOPLANTAR KERATODERMA II; Keratosis palmoplantaris striata II. Identifiers: MedGen C1852127, MONDO:0013034, OMIM 612908.
Cardiovascular phenotype. Identifiers: MedGen CN230736.
Cardiomyopathy (CMYO). Also called: Cardiomyopathies. Identifiers: Orphanet 167848, MedGen C0878544, MONDO:0004994, HP:0001638. Inheritance: Various modes of inheritance.

Allele frequency attached by ClinVar (database versions not stated): gnomAD exomes 0.00001 and 0.00002; ExAC 0.00002; gnomAD 0.00003 and 0.00004; TOPMed 0.00005.
gnomAD v4.1: 23 of 1,613,920 alleles (0.0014%); highest among the groups gnomAD compares: African/African-American, 0.011%; no homozygotes.

Submissions (9):

Color Diagnostics, LLC DBA Color Health
Classification: Uncertain significance for Cardiomyopathy. Last evaluated: 2025-12-10. Review status: criteria provided, single submitter. Criteria: ACMG Guidelines, 2015. Collection method: clinical testing. Allele origin: germline.
Comment: This missense variant replaces arginine with cysteine at codon 1302 of the DSP protein. Computational predictions are inconclusive regarding the impact of this variant on protein structure and function. To our knowledge, functional studies have not been reported for this variant. This variant has been reported in an individual affected with intellectual disability and non-compaction cardiomyopathy with a de novo NONO mutation (PMID: 27329731). This variant has been identified in 23/1613920 chromosomes in the general population by the Genome Aggregation Database (gnomAD). The available evidence is insufficient to determine the role of this variant in disease conclusively. Therefore, this variant is classified as a Variant of Uncertain Significance.

Labcorp Genetics (formerly Invitae), Labcorp
Classification: Likely benign for Arrhythmogenic cardiomyopathy with wooly hair and keratoderma; Arrhythmogenic right ventricular dysplasia 8. Last evaluated: 2025-09-08. Review status: criteria provided, single submitter. Criteria: Invitae Variant Classification Sherloc (09022015). Collection method: clinical testing. Allele origin: germline.

Ambry Genetics
Classification: Uncertain significance for Cardiovascular phenotype. Last evaluated: 2024-12-24. Review status: criteria provided, single submitter. Criteria: Ambry Variant Classification Scheme 2023. Collection method: clinical testing. Allele origin: germline.
Comment: The p.R1302C variant (also known as c.3904C>T), located in coding exon 23 of the DSP gene, results from a C to T substitution at nucleotide position 3904. The arginine at codon 1302 is replaced by cysteine, an amino acid with highly dissimilar properties. This variant was reported in an individual with intellectual disability and left ventricular non-compaction (LVNC); however, a de novo variant in the NONO gene and parental variants in additional cardiac-related genes were also detected (Reinstein E et al. Eur J Hum Genet, 2016 11;24:1635-1638). This amino acid position is well conserved in available vertebrate species. In addition, this alteration is predicted to be deleterious by in silico analysis. Since supporting evidence is limited at this time, the clinical significance of this alteration remains unclear.

All of Us Research Program, National Institutes of Health
Classification: Uncertain significance for Arrhythmogenic cardiomyopathy with wooly hair and keratoderma. Last evaluated: 2024-08-13. Review status: criteria provided, single submitter. Criteria: ACMG Guidelines, 2015. Collection method: clinical testing. Allele origin: germline. Inheritance: Autosomal dominant inheritance. Observed: 4 variant alleles, 4 heterozygotes.
Comment: This missense variant replaces arginine with cysteine at codon 1302 of the DSP protein. Computational prediction is inconclusive regarding the impact of this variant on protein structure and function (internally defined REVEL score threshold 0.5 < inconclusive < 0.7, PMID: 27666373). To our knowledge, functional studies have not been reported for this variant. This variant has not been reported in individuals affected with cardiovascular disorders in the literature. This variant has been identified in 7/282184 chromosomes in the general population by the Genome Aggregation Database (gnomAD). The available evidence is insufficient to determine the role of this variant in disease conclusively. Therefore, this variant is classified as a Variant of Uncertain Significance.

This study involves interpretation of variants in research participants for the purpose of population health screening. Participant phenotype was not available at the time of variant classification. Additional details can be found in publication PMID: 35346344, PMCID: PMC8962531

Fulgent Genetics
Classification: Uncertain significance for Arrhythmogenic cardiomyopathy with wooly hair and keratoderma; Arrhythmogenic right ventricular dysplasia 8; Lethal acantholytic epidermolysis bullosa; Keratosis palmoplantaris striata 2; Cardiomyopathy, dilated, with wooly hair, keratoderma, and tooth agenesis. Last evaluated: 2021-10-13. Review status: criteria provided, single submitter. Criteria: ACMG Guidelines, 2015. Collection method: clinical testing. Allele origin: unknown.

Center for Advanced Laboratory Medicine, UC San Diego Health, University of California San Diego
Classification: Uncertain significance for Cardiomyopathy. Last evaluated: 2019-04-17. Review status: criteria provided, single submitter. Criteria: ACMG Guidelines, 2015. Collection method: clinical testing. Allele origin: germline. Affected: yes. Observed: 1 variant allele.

Illumina Laboratory Services, Illumina
Classification: Uncertain significance for Arrhythmogenic cardiomyopathy with wooly hair and keratoderma. Last evaluated: 2017-04-27. Review status: criteria provided, single submitter. Criteria: ICSL Variant Classification Criteria 13 December 2019. Collection method: clinical testing. Allele origin: germline.
Comment: This variant was observed as part of a predisposition screen in an ostensibly healthy population. A literature search was performed for the gene, cDNA change, and amino acid change (where applicable). Publications were found based on this search. However, the evidence from the literature, in combination with allele frequency data from public databases where available, was not sufficient to rule this variant in or out of causing disease. Therefore, this variant is classified as a variant of unknown significance.

Illumina Laboratory Services, Illumina
Classification: Uncertain significance for Arrhythmogenic right ventricular dysplasia 8. Last evaluated: 2017-04-27. Review status: criteria provided, single submitter. Criteria: ICSL Variant Classification Criteria 13 December 2019. Collection method: clinical testing. Allele origin: germline.
Comment: the same text as in the submission from Illumina Laboratory Services, Illumina above.

Illumina Laboratory Services, Illumina
Classification: Uncertain significance for Lethal acantholytic epidermolysis bullosa. Last evaluated: 2017-04-27. Review status: criteria provided, single submitter. Criteria: ICSL Variant Classification Criteria 13 December 2019. Collection method: clinical testing. Allele origin: germline.
Comment: the same text as in the submission from Illumina Laboratory Services, Illumina above.

Literature cited by the submitters: PubMed 27329731 (cited by 3 submitters).

NM_004415.4(DSP):c.3904C>T (p.Arg1302Cys)

Gene: DSP (desmoplakin; plus strand). Cytogenetic location: 6p24.3.
Variant type: single nucleotide variant.
Coding change: c.3904C>T on transcript NM_004415.4 (MANE Select); coding-DNA position 3904, C replaced by T.
Protein change: p.Arg1302Cys; replaces arginine 1302 with cysteine.
Molecular consequence: missense variant. On other transcripts: intron variant (1).
Genome position (GRCh38, 1-based): chr6:7,580,094, C>T. VCF-style: chr6-7580094-C-T. GRCh37 (hg19) VCF-style: chr6-7580327-C-T.
Other names: c.3904C>T, p.Arg1302Cys (NM_001319034.2); c.3582+322C>T (NM_001008844.3); short protein forms R1302C.
Identifiers: ClinVar variation 691716 (VCV000691716.24), dbSNP rs775594375, ClinGen allele CA039502.
Genomic context (GRCh38, chr6:7,580,094, plus strand): 5'-TCTGAGATAATGCAGAAGAAGCAGCATCTGGAGATAGAACTGAAGCAGGTCATGCAGCAG[C>T]GCTCTGAGGACAATGCCCGGCACAAGCAGTCCCTGGAGGAGGCTGCCAAGACCATTCAGG-3'
Protein context (NP_004406.2, residues 1292-1312): EIELKQVMQQ[Arg1302Cys]SEDNARHKQS